The following is an entry in ClinVar:

ClinVar aggregate classification (germline): Uncertain significance (1 of 4 stars; one submission).

Submission:

Labcorp Genetics (formerly Invitae), Labcorp
Classification: Uncertain significance. Last evaluated: 2025-02-17. Review status: criteria provided, single submitter. Criteria: Invitae Variant Classification Sherloc (09022015). Collection method: clinical testing. Allele origin: germline.
Comment: This sequence change replaces aspartic acid, which is acidic and polar, with alanine, which is neutral and non-polar, at codon 758 of the LONP1 protein (p.Asp758Ala). This variant is not present in population databases (gnomAD no frequency). This variant has not been reported in the literature in individuals affected with LONP1-related conditions. Invitae Evidence Modeling of protein sequence and biophysical properties (such as structural, functional, and spatial information, amino acid conservation, physicochemical variation, residue mobility, and thermodynamic stability) indicates that this missense variant is not expected to disrupt LONP1 protein function with a negative predictive value of 95%. In summary, the available evidence is currently insufficient to determine the role of this variant in disease. Therefore, it has been classified as a Variant of Uncertain Significance.

NM_004793.4(LONP1):c.2273A>C (p.Asp758Ala)

Gene: LONP1 (lon peptidase 1, mitochondrial; minus strand). Cytogenetic location: 19p13.3.
Variant type: single nucleotide variant.
Coding change: c.2273A>C on transcript NM_004793.4 (MANE Select); coding-DNA position 2273, A replaced by C.
Protein change: p.Asp758Ala; replaces aspartic acid 758 with alanine.
Molecular consequence: missense variant. On other transcripts: non-coding transcript variant (1).
Genome position (GRCh38, 1-based): chr19:5,694,434, T>G on the plus strand (A>C on the coding strand, the complement: LONP1 is on the minus strand). VCF-style: chr19-5694434-T-G. GRCh37 (hg19) VCF-style: chr19-5694445-T-G.
Other names: c.2081A>C, p.Asp694Ala (NM_001276479.2); c.1685A>C, p.Asp562Ala (NM_001276480.1); short protein forms D758A, D562A, D694A.
Identifiers: ClinVar variation 3720936 (VCV003720936.2).